The following is an entry in ClinVar:

ClinVar aggregate classification (germline): Conflicting classifications of pathogenicity. Review status: criteria provided, conflicting classifications (1 of 4 stars). 15 submissions from 15 submitters: Uncertain significance (11); Likely benign (2). 2 of the submissions do not count toward it. Last evaluated 2026-02-04.

Conditions:
CDKN2A-related disorder. Also called: CDKN2A-related condition.
Familial melanoma. Also called: Hereditary melanoma; Hereditary cutaneous melanoma. Identifiers: Orphanet 618, MedGen C1512419, MONDO:0018961.
Melanoma-pancreatic cancer syndrome. Identifiers: Orphanet 404560, MedGen C1838547, MONDO:0011713, OMIM 606719. Disease mechanism: loss of function.
Melanoma and neural system tumor syndrome. Also called: MELANOMA-ASTROCYTOMA SYNDROME. Identifiers: Orphanet 252206, MedGen C1835042, MONDO:0007967, OMIM 155755.
Melanoma, cutaneous malignant, susceptibility to, 2 (CMM2). Also called: CDKN2A-Related Cutaneous Malignant Melanoma; Cutaneous malignant melanoma 2. Identifiers: Orphanet 618, MedGen C1835044, MONDO:0007964, OMIM 155601.
Hereditary cancer-predisposing syndrome. Also called: Hereditary neoplastic syndrome; Tumor predisposition; Hereditary Cancer Syndrome; Neoplastic Syndromes, Hereditary. Identifiers: Orphanet 140162, MedGen C0027672, MeSH D009386, MONDO:0015356.

Allele frequency attached by ClinVar (database versions not stated): ExAC 0.00006; gnomAD exomes 0.00010; ESP Exome Variant Server 0.00015; 1000 Genomes Project 30x 0.00016; 1000 Genomes Project 0.00020; gnomAD 0.00022; TOPMed 0.00023.
gnomAD v4.1: 569 of 1,610,420 alleles (0.035%); highest among the groups gnomAD compares: Non-Finnish European, 0.046%; no homozygotes.

Submissions 1 to 9 of 15:

Labcorp Genetics (formerly Invitae), Labcorp
Classification: Uncertain significance for Familial melanoma. Last evaluated: 2026-02-04. Review status: criteria provided, single submitter. Criteria: Invitae Variant Classification Sherloc (09022015). Collection method: clinical testing. Allele origin: germline.
Comment: The CDKN2A gene encodes two different proteins, p16INK4a and p14ARF, which are translated from alternative transcripts with different open reading frames. Both transcripts have been analyzed. We report either the variant with the higher classification or default to the CDKN2A (p16INK4a) variant. This report therefore includes the details for the CDKN2A (p16INK4a) variant. This sequence change replaces aspartic acid, which is acidic and polar, with histidine, which is basic and polar, at codon 125 of the CDKN2A (p16INK4a) protein (p.Asp125His). This variant is present in population databases (rs146179135, gnomAD 0.02%). This missense change has been observed in individual(s) with melanoma and/or pancreatic cancer (PMID: 10398427, 12072543, 17218939, 19320745, 25780468, 26483394). ClinVar contains an entry for this variant (Variation ID: 41577). An algorithm developed to predict the effect of missense changes on protein structure and function outputs the following: PolyPhen-2: "Benign". The histidine amino acid residue is found in multiple mammalian species, which suggests that this missense change does not adversely affect protein function. In summary, the available evidence is currently insufficient to determine the role of this variant in disease. Therefore, it has been classified as a Variant of Uncertain Significance.

PreventionGenetics, part of Exact Sciences
Classification: Uncertain significance for CDKN2A-related condition. Last evaluated: 2025-12-20. Review status: criteria provided, single submitter. Criteria: ACMG Guidelines, 2015. Collection method: clinical testing. Allele origin: germline.
Comment: The CDKN2A c.373G>C variant is predicted to result in the amino acid substitution p.Asp125His. This variant occurs in the post-coding position of the alternate CDKN2A transcript encoding p14ARF (NM_058195.3:c.*17G>C). This variant has been shown to segregate with melanoma in two individuals of a particular family (Holland et al. 1999. PubMed ID: 10398427) and has been documented in families with a history of melanoma (Bishop et al. 2002. PubMed ID: 12072543; Orlow et al. 2007. PubMed ID: 17218939). It was also observed in two cases of acute lymphoblastic leukemia (Xu et al. 2015, Supplementary Table 3. PubMed ID: 26104880). However, it has also been reported in control populations (Harland et al. 2014, Additional File 2. PubMed ID: 25780468; Capanu et al. 2008. PubMed ID: 18335566), and with a subpopulation frequency up to ~0.02% in a large database of individuals with unknown phenotype and has conflicting interpretations regarding its pathogenicity in ClinVar, ranging from likely benign to uncertain (Variation ID: 41577). At this time, the clinical significance of this variant is uncertain due to the absence of conclusive functional and genetic evidence.

Women's Health and Genetics/Laboratory Corporation of America, LabCorp
Classification: Uncertain significance. Last evaluated: 2025-09-18. Review status: criteria provided, single submitter. Criteria: LabCorp Variant Classification Summary - May 2015. Collection method: clinical testing. Allele origin: germline.
Comment: Variant summary: CDKN2A c.373G>C (p.Asp125His) results in a non-conservative amino acid change located in the Ankyrin repeat-containing domain (IPR020683) of the encoded protein sequence. Algorithms developed to predict the effect of missense changes on protein structure and function are either unavailable or do not agree on the potential impact of this missense change. The variant allele was found at a frequency of 0.00035 in 1612370 control chromosomes, predominantly at a frequency of 0.00046 within the Non-Finnish European subpopulation in the gnomAD database. The observed variant frequency within Non-Finnish European control individuals in the gnomAD database exceeds the estimated maximal expected allele frequency for disease-causing variants in CDKN2A. c.373G>C has been reported in multiple isolated reports of individuals affected with cutaneous/malignant/familial melanoma, colorectal cancer, breast cancer, childhood B-ALL, and among individuals in a study of patients enrolled in the Mayo Clinic Pancreatic Cancer patient registry (example, Begg_2005, Berwick_2006, Yurgelun_2017, Tung_2015, Xu_2015). These report(s) do not provide unequivocal conclusions about association of the variant with Cutaneous Malignant Melanoma. At least one publication reports experimental evidence evaluating an impact on protein function. These results showed no damaging effect of this variant (Kimura_2022, Li_2022). The following publications have been ascertained in the context of this evaluation (PMID: 21462282, 25780468, 25186627, 26483394, 16896043, 18335566, 17218939, 12072543, 16234564, 19320745, 15146471, 26104880, 28135145, 27756164, 27960642, 28765326, 9166859, 16818274, 18519632, 7718873, 29758216, 10398427, 35001868, 34369425). ClinVar contains an entry for this variant (Variation ID: 41577). Based on the evidence outlined above, the variant was classified as VUS-possibly benign.

Quest Diagnostics Nichols Institute San Juan Capistrano
Classification: Uncertain significance. Last evaluated: 2025-08-29. Review status: criteria provided, single submitter. Criteria: Quest Diagnostics criteria. Collection method: clinical testing. Allele origin: unknown.
Comment: The CDKN2A c.373G>C (p.Asp125His in the p16INK4A protein) variant has been reported in the published literature in multiple individuals with melanoma as well as in reportedly unaffected individuals (PMID: 10398427 (1999), 16234564 (2005), 19320745 (2009), 21325014 (2011), 25780468 (2014), 29641532 (2018)). Additionally, it has been reported in affected individuals with childhood leukemia (PMID:26104880 (2015)), breast cancer (PMID: 25186627 (2015), 34326862 (2021)), pancreatic cancer (PMID: 26483394 (2016)), osteosarcoma (PMID: 32191290 (2020)), and colorectal cancer (PMID: 28135145 (2017), 28944238 (2017)). Published functional studies have reported inconclusive results on the effect this variant on CDK2NA protein function (PMID: 35001868 (2022), 34369425 (2022)). The frequency of this variant in the general population (Genome Aggregation Database) is higher than would generally be expected for pathogenic variants in this gene. Analysis of this variant using bioinformatics tools (i.e., MutationTaster and PolyPhen-2) for the prediction of the effect of amino acid changes on protein structure and function yielded conflicting predictions that this variant is deleterious or benign. Based on the available information, we are unable to determine the clinical significance of this variant.

GeneDx
Classification: Uncertain significance. Last evaluated: 2025-07-01. Review status: criteria provided, single submitter. Criteria: GeneDx Variant Classification Process June 2021. Collection method: clinical testing. Allele origin: germline. Affected: yes.
Comment: In silico analysis supports that this missense variant has a deleterious effect on protein structure/function; This variant is associated with the following publications: (PMID: 10398427, 16234564, 17218939, 16896043, 25780468, 21325014, 20707869, 21462282, 26104880, 12072543, 22703879, 23819521, 26483394, 28822769, 28135145, 15146471, 19320745, 25186627, 29641532, 18335566, 32191290, 35001868, 34369425, 28944238, 34326862)

Center for Genomic Medicine, Rigshospitalet, Copenhagen University Hospital
Classification: Uncertain significance. Last evaluated: 2025-03-04. Review status: criteria provided, single submitter. Criteria: ACMG Guidelines, 2015. Collection method: clinical testing. Allele origin: germline.

Molecular Pathology, Peter Maccallum Cancer Centre
Classification: Uncertain significance for Melanoma-pancreatic cancer syndrome. Last evaluated: 2024-11-07. Review status: criteria provided, single submitter. Criteria: ACMG Guidelines, 2015. Collection method: clinical testing. Allele origin: germline. Inheritance: Autosomal dominant inheritance.

Color Diagnostics, LLC DBA Color Health
Classification: Likely benign for Hereditary cancer-predisposing syndrome. Last evaluated: 2024-09-19. Review status: criteria provided, single submitter. Criteria: ACMG Guidelines, 2015. Collection method: clinical testing. Allele origin: germline.

Fulgent Genetics
Classification: Uncertain significance for Melanoma, cutaneous malignant, susceptibility to, 2; Melanoma and neural system tumor syndrome; Melanoma-pancreatic cancer syndrome. Last evaluated: 2024-05-04. Review status: criteria provided, single submitter. Criteria: ACMG Guidelines, 2015. Collection method: clinical testing. Allele origin: germline.

NM_000077.5(CDKN2A):c.373G>C (p.Asp125His)

Gene: CDKN2A (cyclin dependent kinase inhibitor 2A; minus strand). Cytogenetic location: 9p21.3.
Variant type: single nucleotide variant.
Coding change: c.373G>C on transcript NM_000077.5; coding-DNA position 373, G replaced by C.
Protein change: p.Asp125His; replaces aspartic acid 125 with histidine.
Molecular consequence: missense variant (on NM_000077.6). On other transcripts: 3 prime UTR variant (2).
Genome position (GRCh38, 1-based): chr9:21,970,986, C>G on the plus strand (G>C on the coding strand, the complement: CDKN2A is on the minus strand). VCF-style: chr9-21970986-C-G. GRCh37 (hg19) VCF-style: chr9-21970985-C-G.
Other names: c.373G>C, p.Asp125His (NM_000077.6, NM_001195132.2); c.220G>C, p.Asp74His (NM_001363763.2); c.*17G>C (NM_058195.4); c.*296G>C (NM_058197.5); short protein forms D125H, D74H.
Identifiers: ClinVar variation 41577 (VCV000041577.50), dbSNP rs146179135, ClinGen allele CA196825.
Genomic context (GRCh38, chr9:21,970,986, plus strand): 5'-TGCGGGCATGGTTACTGCCTCTGGTGCCCCCCGCAGCCGCGCGCAGGTACCGTGCGACAT[C>G]GCGATGGCCCAGCTCCTCAGCCAGGTCCACGGGCAGACGGCCCCAGGCATCGCGCACGTC-3'
Protein context (NP_000068.1, residues 115-135): VDLAEELGHR[Asp125His]VARYLRAAAG